The following is an entry in ClinVar:

NM_000350.3(ABCA4):c.1798G>T (p.Asp600Tyr)

Gene: ABCA4 (ATP binding cassette subfamily A member 4; minus strand). Cytogenetic location: 1p22.1.
Variant type: single nucleotide variant.
Coding change: c.1798G>T on transcript NM_000350.3 (MANE Select); coding-DNA position 1798, G replaced by T.
Protein change: p.Asp600Tyr; replaces aspartic acid 600 with tyrosine.
Molecular consequence: missense variant.
Genome position (GRCh38, 1-based): chr1:94,062,716, C>A on the plus strand (G>T on the coding strand, the complement: ABCA4 is on the minus strand). VCF-style: chr1-94062716-C-A. GRCh37 (hg19) VCF-style: chr1-94528272-C-A.
Other names: c.1798G>T, p.Asp600Tyr (NM_001425324.1); short protein forms D600Y.
Identifiers: ClinVar variation 99082 (VCV000099082.6), dbSNP rs61752397, ClinGen allele CA226929.

ClinVar aggregate classification (germline): Pathogenic/Likely pathogenic. Review status: criteria provided, multiple submitters, no conflicts (2 of 4 stars). 4 submissions from 4 submitters: Pathogenic (1); Likely pathogenic (1). 2 of the submissions do not count toward it. Last evaluated 2023-03-22.

Conditions:
ABCA4-related disorder. Also called: ABCA4-related disorders; ABCA4-related condition. Identifiers: MedGen CN239167.
Stargardt disease 3. Also called: MACULAR DYSTROPHY WITH FLECKS, TYPE 3; STARGARDT-LIKE MACULAR DYSTROPHY, AUTOSOMAL DOMINANT. Identifiers: Orphanet 827, MedGen C1838644, MONDO:0010819, OMIM 600110.

Allele frequency attached by ClinVar (database versions not stated): gnomAD exomes below 0.00001; ExAC 0.00001.
gnomAD v4.1: 2 of 1,614,154 alleles (0.00012%); highest among the groups gnomAD compares: South Asian, 0.0011%; no homozygotes.

Submissions (4):

Labcorp Genetics (formerly Invitae), Labcorp
Classification: Pathogenic. Last evaluated: 2023-03-22. Review status: criteria provided, single submitter. Criteria: Invitae Variant Classification Sherloc (09022015). Collection method: clinical testing. Allele origin: germline.
Comment: This sequence change replaces aspartic acid, which is acidic and polar, with tyrosine, which is neutral and polar, at codon 600 of the ABCA4 protein (p.Asp600Tyr). This variant is present in population databases (rs61752397, gnomAD 0.003%). This missense change has been observed in individual(s) with clinical features of ABCA4-related conditions (PMID: 12796258; Invitae). ClinVar contains an entry for this variant (Variation ID: 99082). Advanced modeling of protein sequence and biophysical properties (such as structural, functional, and spatial information, amino acid conservation, physicochemical variation, residue mobility, and thermodynamic stability) performed at Invitae indicates that this missense variant is expected to disrupt ABCA4 protein function. This variant disrupts the p.Asp600 amino acid residue in ABCA4. Other variant(s) that disrupt this residue have been observed in individuals with ABCA4-related conditions (PMID: 19074458), which suggests that this may be a clinically significant amino acid residue. For these reasons, this variant has been classified as Pathogenic.

Blueprint Genetics
Classification: Likely pathogenic for ABCA4-related disorders. Last evaluated: 2022-03-10. Review status: criteria provided, single submitter. Criteria: ACMG Guidelines, 2015. Collection method: clinical testing. Allele origin: germline. Affected: yes. Observed: 3 variant alleles.

Ophthalmo-Genetics Lab, Instituto de Oftalmologia Conde de Valenciana
Classification: Likely pathogenic for Stargardt disease 3. Review status: no assertion criteria provided. Collection method: research. Allele origin: germline. Inheritance: Autosomal recessive inheritance. Affected: yes. Not counted in ClinVar's aggregate classification.

Retina International
No classification provided. Review status: no classification provided. Collection method: not provided. Allele origin: not provided. Not counted in ClinVar's aggregate classification.

Literature cited by the submitters: PubMed 12796258 (cited by Labcorp Genetics (formerly Invitae), Labcorp and Ophthalmo-Genetics Lab, Instituto de Oftalmologia Conde de Valenciana); PubMed 19074458 (cited by Labcorp Genetics (formerly Invitae), Labcorp).